The following is an entry in ClinVar:

ClinVar aggregate classification (germline): Pathogenic/Likely pathogenic. Review status: criteria provided, multiple submitters, no conflicts (2 of 4 stars). 4 submissions from 4 submitters: Pathogenic (1); Likely pathogenic (2). 1 of the submissions does not count toward it. Last evaluated 2024-03-11.

Conditions:
Smith-Lemli-Opitz syndrome (SLOS). Also called: RSH SYNDROME; RUTLEDGE LETHAL MULTIPLE CONGENITAL ANOMALY SYNDROME; LETHAL ACRODYSGENITAL SYNDROME; POLYDACTYLY, SEX REVERSAL, RENAL HYPOPLASIA, AND UNILOBAR LUNG; 7-Dehydrocholesterol reductase deficiency. Identifiers: Orphanet 818, MedGen C0175694, MONDO:0010035, OMIM 270400.

Submissions (4):

Natera, Inc.
Classification: Likely pathogenic for Smith-Lemli-Opitz syndrome. Last evaluated: 2024-03-11. Review status: criteria provided, single submitter. Criteria: Natera Variant Classification Schema (03/2026). Collection method: clinical testing. Allele origin: germline.
Comment: The c.874delC variant in DHCR7 is a frameshift variant predicted to shift the reading frame and introduce a stop codon. This variant is expected to result in nonsense mediated decay, truncation, or a dysfunctional protein product. This variant is rare in the general population with a frequency below the threshold expected for the associated phenotype(s). Given the available evidence, this variant is classified as Likely Pathogenic.

Labcorp Genetics (formerly Invitae), Labcorp
Classification: Pathogenic for Smith-Lemli-Opitz syndrome. Last evaluated: 2020-05-07. Review status: criteria provided, single submitter. Criteria: Invitae Variant Classification Sherloc (09022015). Collection method: clinical testing. Allele origin: germline.
Comment: This variant has not been reported in the literature in individuals with DHCR7-related conditions. ClinVar contains an entry for this variant (Variation ID: 552371). For these reasons, this variant has been classified as Pathogenic. Loss-of-function variants in DHCR7 are known to be pathogenic (PMID: 9634533, 10677299). This variant is not present in population databases (ExAC no frequency). This sequence change creates a premature translational stop signal (p.Leu292*) in the DHCR7 gene. It is expected to result in an absent or disrupted protein product.

Juno Genomics, Hangzhou Juno Genomics, Inc
Classification: Likely pathogenic for Smith-Lemli-Opitz syndrome. Review status: criteria provided, single submitter. Criteria: ACMG Guidelines, 2015. Collection method: clinical testing. Allele origin: germline.
Comment: Null variant in a gene where loss of function (LOF) is a known mechanism of disease.;Absent from controls (or at extremely low frequency if recessive) in Genome Aggregation Database.

Counsyl
Classification: Likely pathogenic for Smith-Lemli-Opitz syndrome. Last evaluated: 2017-06-16. Review status: no assertion criteria provided. Collection method: clinical testing. Allele origin: unknown. Not counted in ClinVar's aggregate classification.

Literature cited by the submitters: PubMed 9634533 (cited by Labcorp Genetics (formerly Invitae), Labcorp); PubMed 10677299 (cited by Labcorp Genetics (formerly Invitae), Labcorp).

NM_001360.3(DHCR7):c.874del (p.Tyr291_Leu292insTer)

Gene: DHCR7 (7-dehydrocholesterol reductase; minus strand). Cytogenetic location: 11q13.4.
Variant type: Deletion.
Coding change: c.874del on transcript NM_001360.3 (MANE Select); coding-DNA position 874, one base deleted (C; older notation c.874delC).
Protein change: p.Tyr291_Leu292insTer.
Molecular consequence: nonsense.
Genome position (GRCh38, 1-based): chr11:71,437,901, G deleted on the plus strand (C on the coding strand, the reverse complement: DHCR7 is on the minus strand); the first of 2 consecutive G bases (chr11:71,437,901-71,437,902); deleting either gives the same sequence. VCF-style (leftmost placement, unchanged base first): chr11-71437900-AG-A. GRCh37 (hg19) VCF-style: chr11-71148946-AG-A.
Other names: c.874delC (NM_001360.2); c.874del, p.Tyr291_Leu292insTer (NM_001163817.2).
Identifiers: ClinVar variation 552371 (VCV000552371.11), dbSNP rs1555145874, ClinGen allele CA658823156.